The following is an entry in ClinVar:

ClinVar aggregate classification (germline): Pathogenic. Review status: criteria provided, multiple submitters, no conflicts (2 of 4 stars). 3 submissions from 3 submitters: Pathogenic (3). Last evaluated 2026-08-06.

Conditions:
Cardiovascular phenotype. Identifiers: MedGen CN230736.
Long QT syndrome (LQTS). Identifiers: MedGen C0023976, MeSH D008133, MONDO:0002442. Disease mechanism: loss of function. Inheritance: Various modes of inheritance.

gnomAD v4.1: 2 of 1,457,122 alleles (0.00014%); highest among the groups gnomAD compares: Non-Finnish European, 0.00018%; no homozygotes.

Submissions (3):

Ambry Genetics
Classification: Pathogenic for Cardiovascular phenotype. Last evaluated: 2026-08-06. Review status: criteria provided, single submitter. Criteria: Ambry Variant Classification Scheme 2023. Collection method: clinical testing. Allele origin: germline.
Comment: The c.545C>A (p.S182*) alteration, located in exon 4 (coding exon 4) of the KCNH2 gene, consists of a C to A substitution at nucleotide position 545. This changes the amino acid from a serine (S) to a stop codon at amino acid position 182. This variant is expected to result in loss of function by premature protein truncation or nonsense-mediated mRNA decay. This variant was not reported in population-based cohorts in the Genome Aggregation Database (gnomAD). This alteration has been detected in individuals from cohorts referred for long QT syndrome genetic testing (Tester, 2005; Kapplinger, 2009). Based on the available evidence, this alteration is classified as pathogenic.

Labcorp Genetics (formerly Invitae), Labcorp
Classification: Pathogenic for Long QT syndrome. Last evaluated: 2025-03-03. Review status: criteria provided, single submitter. Criteria: Invitae Variant Classification Sherloc (09022015). Collection method: clinical testing. Allele origin: germline.
Comment: This sequence change creates a premature translational stop signal (p.Ser182*) in the KCNH2 gene. It is expected to result in an absent or disrupted protein product. Loss-of-function variants in KCNH2 are known to be pathogenic (PMID: 10973849, 19862833). This variant is not present in population databases (gnomAD no frequency). This premature translational stop signal has been observed in individual(s) with long QT syndrome (PMID: 15840476). ClinVar contains an entry for this variant (Variation ID: 372376). For these reasons, this variant has been classified as Pathogenic.

GeneDx
Classification: Pathogenic. Last evaluated: 2017-01-05. Review status: criteria provided, single submitter. Criteria: GeneDx Variant Classification (06012015). Collection method: clinical testing. Allele origin: germline. Affected: yes.
Comment: The S182X pathogenic variant, located in the N-terminus of the KCNH2 gene, has been previously reported in association with Long QT syndrome and was absent in 1,488 alleles from healthy control individuals of four different ethnic backgrounds (Tester D et al., 2005). S182X is predicted to cause loss of normal protein function either through protein truncation or nonsense-mediated mRNA decay. Furthermore, other nonsense variants in the KCNH2 gene have been reported in association with LQTS, further supporting the functional importance of this region of the protein (Stenson P et al., 2014). In summary, S182X in the KCNH2 gene is interpreted as a pathogenic variant.

Literature cited by the submitters: PubMed 15840476 (cited by Ambry Genetics and Labcorp Genetics (formerly Invitae), Labcorp); PubMed 19716085 (cited by Ambry Genetics); PubMed 10973849 (cited by Labcorp Genetics (formerly Invitae), Labcorp); PubMed 19862833 (cited by Labcorp Genetics (formerly Invitae), Labcorp).

NM_000238.4(KCNH2):c.545C>A (p.Ser182Ter)

Gene: KCNH2 (potassium voltage-gated channel subfamily H member 2; minus strand). Cytogenetic location: 7q36.1.
Variant type: single nucleotide variant.
Coding change: c.545C>A on transcript NM_000238.4 (MANE Select); coding-DNA position 545, C replaced by A.
Protein change: p.Ser182Ter; replaces serine 182 with a stop codon.
Molecular consequence: nonsense.
Genome position (GRCh38, 1-based): chr7:150,958,430, G>T on the plus strand (C>A on the coding strand, the complement: KCNH2 is on the minus strand). VCF-style: chr7-150958430-G-T. GRCh37 (hg19) VCF-style: chr7-150655518-G-T.
Other names: c.257C>A, p.Ser86Ter (NM_001406753.1, NM_001406756.1); c.368C>A, p.Ser123Ter (NM_001406755.1); c.245C>A, p.Ser82Ter (NM_001406757.1); c.545C>A, p.Ser182Ter (NM_172056.3); short protein forms S182*, S82*, S86*, S123*.
Identifiers: ClinVar variation 372376 (VCV000372376.12), dbSNP rs1057517742, ClinGen allele CA16042695.